The following is an entry in ClinVar:

ClinVar aggregate classification (germline): Uncertain significance (1 of 4 stars; one submission).

Allele frequency attached by ClinVar (database versions not stated): ExAC 0.00005; TOPMed 0.00005; gnomAD 0.00006; ESP Exome Variant Server 0.00015; 1000 Genomes Project 30x 0.00031; 1000 Genomes Project 0.00040.

Submission:

Labcorp Genetics (formerly Invitae), Labcorp
Classification: Uncertain significance. Last evaluated: 2023-08-23. Review status: criteria provided, single submitter. Criteria: Invitae Variant Classification Sherloc (09022015). Collection method: clinical testing. Allele origin: germline.
Comment: In summary, the available evidence is currently insufficient to determine the role of this variant in disease. Therefore, it has been classified as a Variant of Uncertain Significance. Variants that disrupt the consensus splice site are a relatively common cause of aberrant splicing (PMID: 17576681, 9536098). Algorithms developed to predict the effect of sequence changes on RNA splicing suggest that this variant may disrupt the consensus splice site. This variant has not been reported in the literature in individuals affected with LIPC-related conditions. This variant is present in population databases (rs143786281, gnomAD 0.01%). This sequence change affects codon 91 of the LIPC mRNA. It is a 'silent' change, meaning that it does not change the encoded amino acid sequence of the LIPC protein. This variant also falls at the last nucleotide of exon 2, which is part of the consensus splice site for this exon.

Literature cited by the submitters: PubMed 17576681; PubMed 9536098.

NM_000236.3(LIPC):c.273G>A (p.Ser91=)

Gene: LIPC (lipase C, hepatic type; plus strand). Cytogenetic location: 15q21.3.
Variant type: single nucleotide variant.
Coding change: c.273G>A on transcript NM_000236.3 (MANE Select); coding-DNA position 273, G replaced by A.
Protein change: p.Ser91=; no amino-acid change (serine 91 retained).
Molecular consequence: synonymous variant.
Genome position (GRCh38, 1-based): chr15:58,538,517, G>A. VCF-style: chr15-58538517-G-A. GRCh37 (hg19) VCF-style: chr15-58830716-G-A.
Identifiers: ClinVar variation 2899873 (VCV002899873.3), dbSNP rs143786281, ClinGen allele CA7584768.